The following is an entry in ClinVar:

ClinVar aggregate classification (germline): Uncertain significance (1 of 4 stars; one submission).

Conditions:
Inborn genetic diseases. Identifiers: MedGen C0950123, MeSH D030342.

Submission:

Ambry Genetics
Classification: Uncertain significance for Inborn genetic diseases. Last evaluated: 2018-11-02. Review status: criteria provided, single submitter. Criteria: Ambry Variant Classification Scheme 2023. Collection method: clinical testing. Allele origin: germline.
Comment: The p.L433F variant (also known as c.1297C>T), located in coding exon 9 of the SLC6A8 gene, results from a C to T substitution at nucleotide position 1297. The leucine at codon 433 is replaced by phenylalanine, an amino acid with highly similar properties. This amino acid position is not well conserved in available vertebrate species. In addition, this alteration is predicted to be tolerated by in silico analysis. Since supporting evidence is limited at this time, the clinical significance of this variant remains unclear.

NM_005629.4(SLC6A8):c.1297C>T (p.Leu433Phe)

Gene: SLC6A8 (solute carrier family 6 member 8; plus strand). Cytogenetic location: Xq28.
Variant type: single nucleotide variant.
Coding change: c.1297C>T on transcript NM_005629.4 (MANE Select); coding-DNA position 1297, C replaced by T.
Protein change: p.Leu433Phe; replaces leucine 433 with phenylalanine.
Molecular consequence: missense variant.
Genome position (GRCh38, 1-based): chrX:153,694,172, C>T. VCF-style: chrX-153694172-C-T. GRCh37 (hg19) VCF-style: chrX-152959627-C-T.
Other names: c.1267C>T, p.Leu423Phe (NM_001142805.2); c.952C>T, p.Leu318Phe (NM_001142806.1); short protein forms L433F, L318F, L423F.
Identifiers: ClinVar variation 588350 (VCV000588350.5), dbSNP rs1569539421, ClinGen allele CA415086756.
Genomic context (GRCh38, chrX:153,694,172, plus strand): 5'-GAGCTGCCCTGGCCACAGTTTGTAGGTGTGGAGGGCTTCATCACCGGCCTCCTCGACCTC[C>T]TCCCGGCCTCCTACTACTTCCGTTTCCAAAGGGAGATCTCTGTGGCCCTCTGTTGTGCCC-3'
Protein context (NP_005620.1, residues 423-443): EGFITGLLDL[Leu433Phe]PASYYFRFQR